The following is an entry in ClinVar:

ClinVar aggregate classification (germline): Uncertain significance. Review status: criteria provided, multiple submitters, no conflicts (2 of 4 stars). 2 submissions from 2 submitters: Uncertain significance (2). Last evaluated 2025-08-21.

Conditions:
Inborn genetic diseases. Identifiers: MedGen C0950123, MeSH D030342.

Allele frequency attached by ClinVar (database versions not stated): ExAC 0.00002; gnomAD 0.00006; TOPMed 0.00008; ESP Exome Variant Server 0.00031.
gnomAD v4.1: 31 of 1,612,984 alleles (0.0019%); highest among the groups gnomAD compares: African/African-American, 0.024%; no homozygotes.

Submissions (2):

Ambry Genetics
Classification: Uncertain significance for Inborn genetic diseases. Last evaluated: 2025-08-21. Review status: criteria provided, single submitter. Criteria: Ambry Variant Classification Scheme 2023. Collection method: clinical testing. Allele origin: germline.

Labcorp Genetics (formerly Invitae), Labcorp
Classification: Uncertain significance. Last evaluated: 2022-04-12. Review status: criteria provided, single submitter. Criteria: Invitae Variant Classification Sherloc (09022015). Collection method: clinical testing. Allele origin: germline.
Comment: This sequence change replaces arginine, which is basic and polar, with glutamine, which is neutral and polar, at codon 161 of the EXOSC9 protein (p.Arg161Gln). This variant is present in population databases (rs144214053, gnomAD 0.03%). This variant has not been reported in the literature in individuals affected with EXOSC9-related conditions. Algorithms developed to predict the effect of missense changes on protein structure and function (SIFT, PolyPhen-2, Align-GVGD) all suggest that this variant is likely to be disruptive. In summary, the available evidence is currently insufficient to determine the role of this variant in disease. Therefore, it has been classified as a Variant of Uncertain Significance.

NM_005033.3(EXOSC9):c.482G>A (p.Arg161Gln)

Gene: EXOSC9 (exosome component 9; plus strand). Cytogenetic location: 4q27.
Variant type: single nucleotide variant.
Coding change: c.482G>A on transcript NM_005033.3 (MANE Select); coding-DNA position 482, G replaced by A.
Protein change: p.Arg161Gln; replaces arginine 161 with glutamine.
Molecular consequence: missense variant.
Genome position (GRCh38, 1-based): chr4:121,804,719, G>A. VCF-style: chr4-121804719-G-A. GRCh37 (hg19) VCF-style: chr4-122725874-G-A.
Other names: c.482G>A, p.Arg161Gln (NM_001034194.2); c.482G>A (NM_001034194.1); short protein forms R161Q.
Identifiers: ClinVar variation 1903284 (VCV001903284.3), dbSNP rs144214053, ClinGen allele CA3063415.
Genomic context (GRCh38, chr4:121,804,719, plus strand): 5'-ATGATGGAAATATTATTGATGCTGCCAGCATTGCTGCAATCGTGGCCTTATGTCATTTCC[G>A]AAGACCTGATGTCTCTGTCCAAGGAGATGAAGTAACACTGGTAAGCTCCTATGTGAACCA-3'
Protein context (NP_005024.2, residues 151-171): IAAIVALCHF[Arg161Gln]RPDVSVQGDE